The following is an entry in ClinVar:

ClinVar aggregate classification (germline): Uncertain significance (1 of 4 stars; one submission).

Conditions:
Saldino-Mainzer syndrome (SRTD9). Also called: short-rib thoracic dysplasia 9 with or without polydactyly; CONORENAL SYNDROME; Renal dysplasia, retinal pigmentary dystrophy, cerebellar ataxia and skeletal dysplasia; SHORT-RIB THORACIC DYSPLASIA 9 WITHOUT POLYDACTYLY. Identifiers: Orphanet 140969, MedGen C1849437, MONDO:0009964, OMIM 266920.

Submission:

Labcorp Genetics (formerly Invitae), Labcorp
Classification: Uncertain significance for Saldino-Mainzer syndrome. Last evaluated: 2022-04-12. Review status: criteria provided, single submitter. Criteria: Invitae Variant Classification Sherloc (09022015). Collection method: clinical testing. Allele origin: germline.
Comment: This variant is not present in population databases (gnomAD no frequency). In summary, the available evidence is currently insufficient to determine the role of this variant in disease. Therefore, it has been classified as a Variant of Uncertain Significance. Algorithms developed to predict the effect of missense changes on protein structure and function are either unavailable or do not agree on the potential impact of this missense change (SIFT: "Deleterious"; PolyPhen-2: "Probably Damaging"; Align-GVGD: "Class C0"). This variant has not been reported in the literature in individuals affected with IFT140-related conditions. This sequence change replaces tyrosine, which is neutral and polar, with histidine, which is basic and polar, at codon 1300 of the IFT140 protein (p.Tyr1300His).

NM_014714.4(IFT140):c.3898T>C (p.Tyr1300His)

Gene: IFT140 (intraflagellar transport 140; minus strand). Cytogenetic location: 16p13.3.
Variant type: single nucleotide variant.
Coding change: c.3898T>C on transcript NM_014714.4 (MANE Select); coding-DNA position 3898, T replaced by C.
Protein change: p.Tyr1300His; replaces tyrosine 1300 with histidine.
Molecular consequence: missense variant.
Genome position (GRCh38, 1-based): chr16:1,520,023, A>G on the plus strand (T>C on the coding strand, the complement: IFT140 is on the minus strand). VCF-style: chr16-1520023-A-G. GRCh37 (hg19) VCF-style: chr16-1570024-A-G.
Other names: short protein forms Y1300H.
Identifiers: ClinVar variation 2125084 (VCV002125084.4), dbSNP rs2506074435, ClinGen allele CA394224153.